The following is an entry in ClinVar:

NM_018897.3(DNAH7):c.11119del (p.Ile3707fs)

Gene: DNAH7 (dynein axonemal heavy chain 7; minus strand). Cytogenetic location: 2q32.3.
Variant type: Deletion.
Coding change: c.11119del on transcript NM_018897.3 (MANE Select); coding-DNA position 11119, one base deleted (A; older notation c.11119delA).
Protein change: p.Ile3707fs; shifts the reading frame from isoleucine 3707.
Molecular consequence: frameshift variant.
Genome position (GRCh38, 1-based): chr2:195,775,929, T deleted on the plus strand (A on the coding strand, the reverse complement: DNAH7 is on the minus strand); the first of 3 consecutive T bases (chr2:195,775,929-195,775,931); deleting any one gives the same sequence. VCF-style (leftmost placement, unchanged base first): chr2-195775928-AT-A. GRCh37 (hg19) VCF-style: chr2-196640652-AT-A.
Other names: short protein forms I3707fs.
Identifiers: ClinVar variation 4529987 (VCV004529987.1).

ClinVar aggregate classification (germline): Uncertain significance (1 of 4 stars; one submission).

Submission:

GeneDx
Classification: Uncertain significance. Last evaluated: 2025-05-11. Review status: criteria provided, single submitter. Criteria: GeneDx Variant Classification Process June 2021. Collection method: clinical testing. Allele origin: germline. Affected: yes.
Comment: Frameshift variant predicted to result in protein truncation or nonsense mediated decay in a gene or region of a gene for which loss of function is not a well-established mechanism of disease; Not observed at significant frequency in large population cohorts (gnomAD); Has not been previously published as pathogenic or benign to our knowledge